The following is an entry in ClinVar:

NM_000306.4(POU1F1):c.811C>T (p.Arg271Trp)

Gene: POU1F1 (POU class 1 homeobox 1; minus strand). Cytogenetic location: 3p11.2.
Variant type: single nucleotide variant.
Coding change: c.811C>T on transcript NM_000306.4 (MANE Select); coding-DNA position 811, C replaced by T.
Protein change: p.Arg271Trp; replaces arginine 271 with tryptophan.
Molecular consequence: missense variant.
Genome position (GRCh38, 1-based): chr3:87,259,959, G>A on the plus strand (C>T on the coding strand, the complement: POU1F1 is on the minus strand). VCF-style: chr3-87259959-G-A. GRCh37 (hg19) VCF-style: chr3-87309109-G-A.
Other names: c.889C>T, p.Arg297Trp (NM_001122757.3); short protein forms R271W, R297W.
Identifiers: ClinVar variation 13603 (VCV000013603.11), dbSNP rs104893755, ClinGen allele CA250603.

ClinVar aggregate classification (germline): Conflicting classifications of pathogenicity. Review status: criteria provided, conflicting classifications (1 of 4 stars). 4 submissions from 4 submitters: Pathogenic (1); Likely pathogenic (1); Uncertain significance (1). 1 of the submissions does not count toward it. Last evaluated 2016-11-16.

Conditions:
Pituitary hormone deficiency, combined, 1 (CPHD1). Also called: Pituitary hormone deficiency, combined or isolated, 1. Identifiers: MedGen C2751608, MONDO:0024464, OMIM 613038.

Submissions (4):

Eurofins Ntd Llc (ga)
Classification: Uncertain significance. Last evaluated: 2016-11-16. Review status: criteria provided, single submitter. Criteria: EGL Classification Definitions 2015. Collection method: clinical testing. Allele origin: germline. Observed: 1 variant allele, 1 heterozygote.

Juno Genomics, Hangzhou Juno Genomics, Inc
Classification: Pathogenic for Pituitary hormone deficiency, combined, 1. Review status: criteria provided, single submitter. Criteria: ACMG Guidelines, 2015. Collection method: clinical testing. Allele origin: germline. Affected: yes.
Comment: Absent from controls (or at extremely low frequency if recessive) in Genome Aggregation Database, Exome Sequencing Project, 1000 Genomes Project, or Exome Aggregation Consortium.;Multiple lines of computational evidence support a deleterious effect on the gene or gene product (conservation, evolutionary, splicing impact, etc).;The prevalence of the variant in affected individuals is significantly increased compared to the prevalence in controls.;Patient's phenotype or family history is highly specific for a disease with a single genetic etiology.;Assumed de novo, but without confirmation of paternity and maternity.

Suma Genomics
Classification: Likely pathogenic for Pituitary hormone deficiency, combined, 1. Review status: criteria provided, single submitter. Criteria: ACMG Guidelines, 2015. Collection method: clinical testing. Allele origin: de novo. Inheritance: Autosomal dominant inheritance. Affected: yes. Observed: 1 heterozygote.
Comment: This variant is not observed in parents and the gnomAD database. In-silico analysis tool REVEL is consistent in predicting this variant to be disease-causing. ACMG classification: Likely pathogenic Criteria met: PM2_Supporting: The variant is not observed in the gnomAD database. PM6: De novo in a patient with phenotype consistency, no family history, and both maternity and paternity are assumed. PP3_Strong: Revel score- 0.94 (strong)

OMIM
Classification: Pathogenic for PITUITARY HORMONE DEFICIENCY, COMBINED, 1. Last evaluated: 2005-08-01. Review status: no assertion criteria provided. Collection method: literature only. Allele origin: germline. Not counted in ClinVar's aggregate classification.

Literature cited by the submitters: PubMed 1509262 (cited by OMIM); PubMed 1271194 (cited by OMIM); PubMed 1472057 (cited by OMIM); PubMed 7833912 (cited by OMIM); PubMed 7721104 (cited by OMIM); PubMed 9392392 (cited by OMIM); PubMed 9588494 (cited by OMIM); PubMed 15928241 (cited by OMIM).